The following is an entry in ClinVar:

ClinVar aggregate classification (germline): Likely pathogenic (1 of 4 stars; one submission).

Conditions:
Primary ciliary dyskinesia 3. Identifiers: Orphanet 244, MedGen C1837618, MONDO:0012085, OMIM 608644.

Submission:

Myriad Genetics, Inc.
Classification: Likely pathogenic for Primary ciliary dyskinesia 3. Last evaluated: 2022-04-04. Review status: criteria provided, single submitter. Criteria: Myriad Women's Health Autosomal Recessive and X-Linked Classification Criteria (2021). Collection method: clinical testing. Allele origin: unknown.
Comment: NM_001369.2(DNAH5):c.2947A>T(K983*) is expected to be pathogenic in the context of DNAH5-related primary ciliary dyskinesia. This variant is predicted to lead to an abnormal or absent protein product due to the creation of a premature termination codon in DNAH5, a gene where loss-of-function variants are known to be pathogenic. Please note: this variant was assessed in the context of healthy population screening.

NM_001369.3(DNAH5):c.2947A>T (p.Lys983Ter)

Genes: DNAH5 (dynein axonemal heavy chain 5; minus strand), DNAH5-AS1 (DNAH5 antisense RNA 1; plus strand). Cytogenetic location: 5p15.2.
Variant type: single nucleotide variant.
Coding change: c.2947A>T on transcript NM_001369.3 (MANE Select); coding-DNA position 2947, A replaced by T.
Protein change: p.Lys983Ter; replaces lysine 983 with a stop codon.
Molecular consequence: nonsense.
Genome position (GRCh38, 1-based): chr5:13,885,025, T>A on the plus strand (A>T on the coding strand, the complement: DNAH5 is on the minus strand). VCF-style: chr5-13885025-T-A. GRCh37 (hg19) VCF-style: chr5-13885134-T-A.
Other names: short protein forms K983*.
Identifiers: ClinVar variation 1725850 (VCV001725850.2), dbSNP rs2547037313, ClinGen allele CA359195085.